The following is an entry in ClinVar:

ClinVar aggregate classification (germline): Uncertain significance (1 of 4 stars; one submission).

Submission:

Labcorp Genetics (formerly Invitae), Labcorp
Classification: Uncertain significance. Last evaluated: 2022-07-14. Review status: criteria provided, single submitter. Criteria: Invitae Variant Classification Sherloc (09022015). Collection method: clinical testing. Allele origin: germline.
Comment: This sequence change replaces methionine, which is neutral and non-polar, with isoleucine, which is neutral and non-polar, at codon 719 of the CTNNA1 protein (p.Met719Ile). This variant is not present in population databases (gnomAD no frequency). This variant has not been reported in the literature in individuals affected with CTNNA1-related conditions. ClinVar contains an entry for this variant (Variation ID: 1346464). Algorithms developed to predict the effect of missense changes on protein structure and function are either unavailable or do not agree on the potential impact of this missense change (SIFT: "Deleterious"; PolyPhen-2: "Probably Damaging"; Align-GVGD: "Class C0"). In summary, the available evidence is currently insufficient to determine the role of this variant in disease. Therefore, it has been classified as a Variant of Uncertain Significance.

NM_001903.5(CTNNA1):c.2157G>T (p.Met719Ile)

Gene: CTNNA1 (catenin alpha 1; plus strand). Cytogenetic location: 5q31.2.
Variant type: single nucleotide variant.
Coding change: c.2157G>T on transcript NM_001903.5 (MANE Select); coding-DNA position 2157, G replaced by T.
Protein change: p.Met719Ile; replaces methionine 719 with isoleucine.
Molecular consequence: missense variant.
Genome position (GRCh38, 1-based): chr5:138,930,619, G>T. VCF-style: chr5-138930619-G-T. GRCh37 (hg19) VCF-style: chr5-138266308-G-T.
Other names: c.2157G>T, p.Met719Ile (NM_001290307.3, NM_001323982.2, NM_001323983.1 and 2 more transcripts); c.1848G>T, p.Met616Ile (NM_001290309.3); c.1788G>T, p.Met596Ile (NM_001290310.3); c.1047G>T, p.Met349Ile (NM_001290312.1, NM_001323987.1, NM_001323988.1 and 17 more transcripts); c.2064G>T, p.Met688Ile (NM_001323986.2); c.708G>T, p.Met236Ile (NM_001324006.1, NM_001324007.1, NM_001324008.1 and 2 more transcripts); c.954G>T, p.Met318Ile (NM_001324011.1); c.804G>T, p.Met268Ile (NM_001324012.1, NM_001324013.1); short protein forms M616I, M236I, M318I, M349I, M719I, M268I, M596I, M688I.
Identifiers: ClinVar variation 1346464 (VCV001346464.8), dbSNP rs1765094765, ClinGen allele CA361133641.